The following is an entry in ClinVar:

ClinVar aggregate classification (germline): Uncertain significance. Review status: criteria provided, multiple submitters, no conflicts (2 of 4 stars). 2 submissions from 2 submitters: Uncertain significance (2). Last evaluated 2025-05-05.

Conditions:
Focal segmental glomerulosclerosis 5 (FSGS5). Identifiers: Orphanet 656, MedGen C2750475, MONDO:0013191, OMIM 613237.
Charcot-Marie-Tooth disease dominant intermediate E. Also called: CHARCOT-MARIE-TOOTH NEUROPATHY WITH FOCAL SEGMENTAL GLOMERULONEPHRITIS. Identifiers: Orphanet 93114, MedGen C4302667, MONDO:0013758, OMIM 614455.

gnomAD v4.1: 7 of 1,595,294 alleles (0.00044%); highest among the groups gnomAD compares: Middle Eastern, 0.033%; no homozygotes.

Submissions (2):

GeneDx
Classification: Uncertain significance. Last evaluated: 2025-05-05. Review status: criteria provided, single submitter. Criteria: GeneDx Variant Classification Process June 2021. Collection method: clinical testing. Allele origin: germline. Affected: yes.
Comment: Not observed at significant frequency in large population cohorts (gnomAD); In silico analysis supports that this missense variant has a deleterious effect on protein structure/function; Has not been previously published as pathogenic or benign to our knowledge

Fulgent Genetics
Classification: Uncertain significance for Focal segmental glomerulosclerosis 5; Charcot-Marie-Tooth disease dominant intermediate E. Last evaluated: 2024-01-12. Review status: criteria provided, single submitter. Criteria: ACMG Guidelines, 2015. Collection method: clinical testing. Allele origin: germline.

NM_022489.4(INF2):c.3650G>A (p.Gly1217Glu)

Gene: INF2 (inverted formin 2; plus strand). Cytogenetic location: 14q32.33.
Variant type: single nucleotide variant.
Coding change: c.3650G>A on transcript NM_022489.4 (MANE Select); coding-DNA position 3650, G replaced by A.
Protein change: p.Gly1217Glu; replaces glycine 1217 with glutamic acid.
Molecular consequence: missense variant. On other transcripts: non-coding transcript variant (1).
Genome position (GRCh38, 1-based): chr14:104,714,812, G>A. VCF-style: chr14-104714812-G-A. GRCh37 (hg19) VCF-style: chr14-105181149-G-A.
Other names: c.3650G>A, p.Gly1217Glu (NM_001031714.4, NM_001426862.1, NM_001426863.1 and 2 more transcripts); c.3650G>A (NM_022489.3); short protein forms G1217E.
Identifiers: ClinVar variation 3576480 (VCV003576480.2).
Genomic context (GRCh38, chr14:104,714,812, plus strand): 5'-CGGTGACCGACTCCTCGGGGTCGGGCACACTCCCCAGGGCCCGGGGCCGGGCCTCAAAGG[G>A]GACCGGGAAGCGAAGGAAGAAGCGTCCCTCCAGGAGCCAGGAAGGTAACTCAGGGAGGGG-3'
Protein context (NP_071934.3, residues 1207-1227): LPRARGRASK[Gly1217Glu]TGKRRKKRPS